The following is an entry in ClinVar:

NM_004523.4(KIF11):c.2922+6_2922+7delinsCG

Gene: KIF11 (kinesin family member 11; plus strand). Cytogenetic location: 10q23.33.
Variant type: Indel.
Coding change: c.2922+6_2922+7delinsCG on transcript NM_004523.4 (MANE Select); bases 6 to 7 of the intron after coding-DNA position 2922, TT replaced by CG.
Molecular consequence: intron variant.
Genome position (GRCh38, 1-based): chr10:92,649,992-92,649,993, TT replaced by CG. VCF-style: chr10-92649992-TT-CG. GRCh37 (hg19) VCF-style: chr10-94409749-TT-CG.
Identifiers: ClinVar variation 3616159 (VCV003616159.2).

ClinVar aggregate classification (germline): Uncertain significance (1 of 4 stars; one submission).

Submission:

Labcorp Genetics (formerly Invitae), Labcorp
Classification: Uncertain significance. Last evaluated: 2025-03-25. Review status: criteria provided, single submitter. Criteria: Invitae Variant Classification Sherloc (09022015). Collection method: clinical testing. Allele origin: germline.
Comment: This sequence change falls in intron 20 of the KIF11 gene. It does not directly change the encoded amino acid sequence of the KIF11 protein. Information on the frequency of this variant in the gnomAD database is not available, as this variant may be reported differently in the database. This variant has not been reported in the literature in individuals affected with KIF11-related conditions. In summary, the available evidence is currently insufficient to determine the role of this variant in disease. Therefore, it has been classified as a Variant of Uncertain Significance.